The following is an entry in ClinVar:

NM_001164665.2(KIAA1549):c.2315C>A (p.Pro772His)

Gene: KIAA1549 (KIAA1549; minus strand). Cytogenetic location: 7q34.
Variant type: single nucleotide variant.
Coding change: c.2315C>A on transcript NM_001164665.2 (MANE Select); coding-DNA position 2315, C replaced by A.
Protein change: p.Pro772His; replaces proline 772 with histidine.
Molecular consequence: missense variant.
Genome position (GRCh38, 1-based): chr7:138,917,311, G>T on the plus strand (C>A on the coding strand, the complement: KIAA1549 is on the minus strand). VCF-style: chr7-138917311-G-T. GRCh37 (hg19) VCF-style: chr7-138602057-G-T.
Other names: c.2315C>A, p.Pro772His (NM_020910.3); short protein forms P772H.
Identifiers: ClinVar variation 2658011 (VCV002658011.24), dbSNP rs2485556635, ClinGen allele CA369393097.

ClinVar aggregate classification (germline): Uncertain significance (1 of 4 stars; one submission).

Submission:

CeGaT Center for Human Genetics Tuebingen
Classification: Uncertain significance. Last evaluated: 2022-11-01. Review status: criteria provided, single submitter. Criteria: CeGaT Center For Human Genetics Tuebingen Variant Classification Criteria Version 2. Collection method: clinical testing. Allele origin: germline. Affected: yes. Observed: 1 variant allele.
Comment: KIAA1549: PM2, BP4